The following is an entry in ClinVar:

NM_017739.4(POMGNT1):c.567C>T (p.Ala189=)

Genes: POMGNT1 (protein O-linked mannose N-acetylglucosaminyltransferase 1 (beta 1,2-); minus strand), TSPAN1 (tetraspanin 1; plus strand). Cytogenetic location: 1p34.1.
Variant type: single nucleotide variant.
Coding change: c.567C>T on transcript NM_017739.4 (MANE Select); coding-DNA position 567, C replaced by T.
Protein change: p.Ala189=; no amino-acid change (alanine 189 retained).
Molecular consequence: synonymous variant.
Genome position (GRCh38, 1-based): chr1:46,194,929, G>A on the plus strand (C>T on the coding strand, the complement: POMGNT1 is on the minus strand). VCF-style: chr1-46194929-G-A. GRCh37 (hg19) VCF-style: chr1-46660601-G-A.
Other names: c.567C>T, p.Ala189= (NM_001243766.2, NM_001410783.1); c.501C>T, p.Ala167= (NM_001290129.3); c.138C>T, p.Ala46= (NM_001290130.2).
Identifiers: ClinVar variation 2102015 (VCV002102015.4), dbSNP rs1658107743, ClinGen allele CA417718878.

ClinVar aggregate classification (germline): Uncertain significance (1 of 4 stars; one submission).

Conditions:
Autosomal recessive limb-girdle muscular dystrophy type 2O. Also called: Limb-Girdle Muscular Dystrophy Type 3C; MUSCULAR DYSTROPHY-DYSTROGLYCANOPATHY (LIMB-GIRDLE), TYPE C, 3; MUSCULAR DYSTROPHY-DYSTROGLYCANOPATHY, LIMB-GIRDLE, POMGNT1-RELATED. Identifiers: Orphanet 206564, MedGen C3150417, MONDO:0013161, OMIM 613157.
Muscular dystrophy-dystroglycanopathy (congenital with impaired intellectual development), type B, 3. Also called: Muscular dystrophy-dystroglycanopathy (congenital with intellectual disability), type B3; MUSCULAR DYSTROPHY, CONGENITAL, POMGNT1-RELATED. Identifiers: MedGen C3150412, MONDO:0013155, OMIM 613151.

Submission:

Labcorp Genetics (formerly Invitae), Labcorp
Classification: Uncertain significance for Autosomal recessive limb-girdle muscular dystrophy type 2O; Muscular dystrophy-dystroglycanopathy (congenital with impaired intellectual development), type B, 3. Last evaluated: 2022-02-22. Review status: criteria provided, single submitter. Criteria: Invitae Variant Classification Sherloc (09022015). Collection method: clinical testing. Allele origin: germline.
Comment: This variant has not been reported in the literature in individuals affected with POMGNT1-related conditions. This sequence change affects codon 189 of the POMGNT1 mRNA. It is a 'silent' change, meaning that it does not change the encoded amino acid sequence of the POMGNT1 protein. This variant is not present in population databases (gnomAD no frequency). Algorithms developed to predict the effect of sequence changes on RNA splicing suggest that this variant may disrupt the consensus splice site. In summary, the available evidence is currently insufficient to determine the role of this variant in disease. Therefore, it has been classified as a Variant of Uncertain Significance.